The following is an entry in ClinVar:

NM_015443.4(KANSL1):c.853A>G (p.Thr285Ala)

Gene: KANSL1 (KAT8 regulatory NSL complex subunit 1). Cytogenetic location: 17q21.31.
Variant type: single nucleotide variant.
Coding change: c.853A>G on transcript NM_015443.4 (MANE Select); coding-DNA position 853, A replaced by G.
Protein change: p.Thr285Ala; replaces threonine 285 with alanine.
Molecular consequence: missense variant.
Genome position (GRCh38, 1-based): chr17:46,171,291, T>C on the plus strand (A>G on the coding strand, the complement: KANSL1 is on the minus strand). VCF-style: chr17-46171291-T-C. GRCh37 (hg19) VCF-style: chr17-44248657-T-C.
Other names: c.853A>G, p.Thr285Ala (NM_001193465.2, NM_001193466.2, NM_001379198.1); short protein forms T285A.
Identifiers: ClinVar variation 1500004 (VCV001500004.6), dbSNP rs925132857, ClinGen allele CA291114286.

ClinVar aggregate classification (germline): Uncertain significance. Review status: criteria provided, multiple submitters, no conflicts (2 of 4 stars). 2 submissions from 2 submitters: Uncertain significance (2). Last evaluated 2024-03-02.

Conditions:
Koolen-de Vries syndrome (KDVS). Identifiers: Orphanet 96169, MedGen C1864871, MONDO:0012496, OMIM 610443.

Allele frequency attached by ClinVar (database versions not stated): gnomAD exomes 0.00001; gnomAD 0.00001.
gnomAD v4.1: 12 of 1,614,072 alleles (0.00074%); highest among the groups gnomAD compares: African/African-American, 0.0013%; no homozygotes.

Submissions (2):

Fulgent Genetics
Classification: Uncertain significance for Koolen-de Vries syndrome. Last evaluated: 2024-03-02. Review status: criteria provided, single submitter. Criteria: ACMG Guidelines, 2015. Collection method: clinical testing. Allele origin: germline.

Labcorp Genetics (formerly Invitae), Labcorp
Classification: Uncertain significance for Koolen-de Vries syndrome. Last evaluated: 2021-09-17. Review status: criteria provided, single submitter. Criteria: Invitae Variant Classification Sherloc (09022015). Collection method: clinical testing. Allele origin: germline.
Comment: Due to the possible presence of a polymorphic segmental duplication, the location of the variant could not be unambiguously resolved. Variants with ambiguous mapping are still reported relative to the KANSL1 transcript. This sequence change replaces threonine with alanine at codon 285 of the KANSL1 protein (p.Thr285Ala). The threonine residue is highly conserved and there is a small physicochemical difference between threonine and alanine. The frequency data for this variant in the population databases (ExAC) is considered unreliable due to the presence of homologous sequence, such as pseudogenes or paralogs, in the genome. This variant has not been reported in the literature in individuals with KANSL1-related conditions. Algorithms developed to predict the effect of missense changes on protein structure and function (SIFT, PolyPhen-2, Align-GVGD) all suggest that this variant is likely to be tolerated. Until the location of this sequence change can be resolved, the clinical significance of this variant remains uncertain. It has been classified as a Variant of Uncertain Significance.